The following is an entry in ClinVar:

ClinVar aggregate classification (germline): Uncertain significance. Review status: criteria provided, single submitter (1 of 4 stars). 2 submissions from 2 submitters: Uncertain significance (1). 1 of the submissions does not count toward it. Last evaluated 2022-10-24.

Conditions:
HMCN1-related disorder. Also called: HMCN1-related condition.

Allele frequency attached by ClinVar (database versions not stated): TOPMed below 0.00001; ExAC 0.00001; gnomAD exomes 0.00003.
gnomAD v4.1: 15 of 1,612,708 alleles (0.00093%); highest among the groups gnomAD compares: Non-Finnish European, 0.0013%; no homozygotes.

Submissions (2):

Labcorp Genetics (formerly Invitae), Labcorp
Classification: Uncertain significance. Last evaluated: 2022-10-24. Review status: criteria provided, single submitter. Criteria: Invitae Variant Classification Sherloc (09022015). Collection method: clinical testing. Allele origin: germline.
Comment: This sequence change falls in intron 53 of the HMCN1 gene. It does not directly change the encoded amino acid sequence of the HMCN1 protein. This variant is present in population databases (rs762043503, gnomAD 0.005%). This variant has not been reported in the literature in individuals affected with HMCN1-related conditions. Algorithms developed to predict the effect of sequence changes on RNA splicing suggest that this variant may disrupt the consensus splice site. In summary, the available evidence is currently insufficient to determine the role of this variant in disease. Therefore, it has been classified as a Variant of Uncertain Significance.

PreventionGenetics, part of Exact Sciences
Classification: Likely benign for HMCN1-related condition. Last evaluated: 2022-11-23. Review status: no assertion criteria provided. Collection method: clinical testing. Allele origin: germline. Not counted in ClinVar's aggregate classification.
Comment: This variant is classified as likely benign based on ACMG/AMP sequence variant interpretation guidelines (Richards et al. 2015 PMID: 25741868, with internal and published modifications).

NM_031935.3(HMCN1):c.8291-10T>G

Gene: HMCN1 (hemicentin 1; plus strand). Cytogenetic location: 1q31.1.
Variant type: single nucleotide variant.
Coding change: c.8291-10T>G on transcript NM_031935.3 (MANE Select); 10 bases into the intron before coding-DNA position 8291, T replaced by G.
Molecular consequence: intron variant.
Genome position (GRCh38, 1-based): chr1:186,076,418, T>G. VCF-style: chr1-186076418-T-G. GRCh37 (hg19) VCF-style: chr1-186045550-T-G.
Other names: c.8291-10T>G (NM_031935.2).
Identifiers: ClinVar variation 1902392 (VCV001902392.7), dbSNP rs762043503, ClinGen allele CA1293087.